The following is an entry in ClinVar:

NM_033305.3(VPS13A):c.6725del (p.Lys2242fs)

Gene: VPS13A (vacuolar protein sorting 13 homolog A; plus strand). Cytogenetic location: 9q21.2.
Variant type: Deletion.
Coding change: c.6725del on transcript NM_033305.3 (MANE Select); coding-DNA position 6725, one base deleted (A; older notation c.6725delA).
Protein change: p.Lys2242fs; shifts the reading frame from lysine 2242.
Molecular consequence: frameshift variant.
Genome position (GRCh38, 1-based): chr9:77,339,862, A deleted; the last of 5 consecutive A bases (chr9:77,339,858-77,339,862); deleting any one gives the same sequence. VCF-style (leftmost placement, unchanged base first): chr9-77339857-TA-T. GRCh37 (hg19) VCF-style: chr9-79954773-TA-T.
Other names: c.6608del, p.Lys2203fs (NM_001018037.2); c.6725del, p.Lys2242fs (NM_001018038.3, NM_015186.4); short protein forms K2242fs, K2203fs.
Identifiers: ClinVar variation 2802336 (VCV002802336.3), dbSNP rs1229489150, ClinGen allele CA588651525.
Genomic context (GRCh38, chr9:77,339,857, plus strand): 5'-AACTGGCCGCATGTTACAGTACAAAGCAGACGGAATTCATCGAAAGCATCCACCTAATTA[TA>T]AAAAGCCAGTTCTCTTTTCTTTTCAGCCAAATCACTTTTTTAATAACAATAAGGTATGCG-3'

ClinVar aggregate classification (germline): Pathogenic (1 of 4 stars; one submission).

Submission:

Labcorp Genetics (formerly Invitae), Labcorp
Classification: Pathogenic. Last evaluated: 2023-04-20. Review status: criteria provided, single submitter. Criteria: Invitae Variant Classification Sherloc (09022015). Collection method: clinical testing. Allele origin: germline.
Comment: For these reasons, this variant has been classified as Pathogenic. This variant has not been reported in the literature in individuals affected with VPS13A-related conditions. This variant is present in population databases (no rsID available, gnomAD 0.0009%). This sequence change creates a premature translational stop signal (p.Lys2242Serfs*22) in the VPS13A gene. It is expected to result in an absent or disrupted protein product. Loss-of-function variants in VPS13A are known to be pathogenic (PMID: 12404112, 21598378).

Literature cited by the submitters: PubMed 12404112; PubMed 21598378.